The following is an entry in ClinVar:

ClinVar aggregate classification (germline): Uncertain significance. Review status: criteria provided, multiple submitters, no conflicts (2 of 4 stars). 4 submissions from 4 submitters: Uncertain significance (4). Last evaluated 2025-10-29.

Conditions:
Inborn genetic diseases. Identifiers: MedGen C0950123, MeSH D030342.

Allele frequency attached by ClinVar (database versions not stated): TOPMed 0.00003; 1000 Genomes Project 0.00020; ExAC 0.00001; gnomAD 0.00003 and 0.00002; gnomAD exomes 0.00003 and below 0.00001; 1000 Genomes Project 30x 0.00016.
gnomAD v4.1: 11 of 1,614,046 alleles (0.00068%); highest among the groups gnomAD compares: Admixed American, 0.018%; no homozygotes.

Submissions (4):

Mayo Clinic Laboratories, Mayo Clinic
Classification: Uncertain significance. Last evaluated: 2025-10-29. Review status: criteria provided, single submitter. Criteria: ACMG Guidelines, 2015. Collection method: clinical testing. Allele origin: germline. Observed: 1 variant allele.
Comment: BP4_moderate, PM2_supporting

Labcorp Genetics (formerly Invitae), Labcorp
Classification: Uncertain significance. Last evaluated: 2022-03-04. Review status: criteria provided, single submitter. Criteria: Invitae Variant Classification Sherloc (09022015). Collection method: clinical testing. Allele origin: germline.
Comment: This sequence change replaces proline, which is neutral and non-polar, with serine, which is neutral and polar, at codon 564 of the HPS5 protein (p.Pro564Ser). This variant is present in population databases (rs200178854, gnomAD 0.02%). This variant has not been reported in the literature in individuals affected with HPS5-related conditions. ClinVar contains an entry for this variant (Variation ID: 498013). Algorithms developed to predict the effect of missense changes on protein structure and function are either unavailable or do not agree on the potential impact of this missense change (SIFT: "Tolerated"; PolyPhen-2: "Possibly Damaging"; Align-GVGD: "Class C0"). In summary, the available evidence is currently insufficient to determine the role of this variant in disease. Therefore, it has been classified as a Variant of Uncertain Significance.

Ambry Genetics
Classification: Uncertain significance for Inborn genetic diseases. Last evaluated: 2021-12-06. Review status: criteria provided, single submitter. Criteria: Ambry Variant Classification Scheme 2023. Collection method: clinical testing. Allele origin: germline.

Eurofins Ntd Llc (ga)
Classification: Uncertain significance. Last evaluated: 2016-11-16. Review status: criteria provided, single submitter. Criteria: EGL Classification Definitions 2015. Collection method: clinical testing. Allele origin: germline. Observed: 1 variant allele, 1 heterozygote.

NM_181507.2(HPS5):c.1690C>T (p.Pro564Ser)

Gene: HPS5 (HPS5 biogenesis of lysosomal organelles complex 2 subunit 2; minus strand). Cytogenetic location: 11p15.1.
Variant type: single nucleotide variant.
Coding change: c.1690C>T on transcript NM_181507.2 (MANE Select); coding-DNA position 1690, C replaced by T.
Protein change: p.Pro564Ser; replaces proline 564 with serine.
Molecular consequence: missense variant.
Genome position (GRCh38, 1-based): chr11:18,295,114, G>A on the plus strand (C>T on the coding strand, the complement: HPS5 is on the minus strand). VCF-style: chr11-18295114-G-A. GRCh37 (hg19) VCF-style: chr11-18316661-G-A.
Other names: p.Pro564Ser; c.1348C>T, p.Pro450Ser (NM_007216.4, NM_181508.2); short protein forms P564S, P450S.
Identifiers: ClinVar variation 498013 (VCV000498013.12), dbSNP rs200178854, ClinGen allele CA5910036.